The following is an entry in ClinVar:

ClinVar aggregate classification (germline): Uncertain significance (1 of 4 stars; one submission).

Conditions:
Intellectual developmental disorder 61. Also called: MENTAL RETARDATION, AUTOSOMAL DOMINANT 61; INTELLECTUAL DEVELOPMENTAL DISORDER, AUTOSOMAL DOMINANT 61. Identifiers: MedGen C5231400, MONDO:0032485, OMIM 618009.

Submission:

3billion
Classification: Uncertain significance for Intellectual developmental disorder 61. Last evaluated: 2024-11-24. Review status: criteria provided, single submitter. Criteria: ACMG Guidelines, 2015. Collection method: clinical testing. Allele origin: germline. Affected: yes.
Comment: The variant is not observed in the gnomAD v4.1.0 dataset. Predicted Consequence/Location: Intron variant In silico tools predict the variant to alter splicing and produce an abnormal transcript [SpliceAI: 0.32 (>=0.2, moderate evidence for spliceogenicity)]. Therefore, this variant is classified as VUS according to the recommendation of ACMG/AMP guideline.

NM_005121.3(MED13):c.1967+66T>C

Gene: MED13 (mediator complex subunit 13; minus strand). Cytogenetic location: 17q23.2.
Variant type: single nucleotide variant.
Coding change: c.1967+66T>C on transcript NM_005121.3 (MANE Select); 66 bases into the intron after coding-DNA position 1967, T replaced by C.
Molecular consequence: intron variant.
Genome position (GRCh38, 1-based): chr17:62,010,484, A>G on the plus strand (T>C on the coding strand, the complement: MED13 is on the minus strand). VCF-style: chr17-62010484-A-G. GRCh37 (hg19) VCF-style: chr17-60087845-A-G.
Identifiers: ClinVar variation 4293788 (VCV004293788.1).
Genomic context (GRCh38, chr17:62,010,484, plus strand): 5'-AAGTTAATACTCAATGAATTTATTCTTGTAAATCCTACCTTGAATCCAATACTGAGTCCT[A>G]GTATTAAGAACTTGCATCACTTCCACCCTTAAATTATAATGGTGACTATTAAAAAAAATA-3'